The following is an entry in ClinVar:

NM_014244.5(ADAMTS2):c.74C>T (p.Pro25Leu)

Gene: ADAMTS2 (ADAM metallopeptidase with thrombospondin type 1 motif 2; minus strand). Cytogenetic location: 5q35.3.
Variant type: single nucleotide variant.
Coding change: c.74C>T on transcript NM_014244.5 (MANE Select); coding-DNA position 74, C replaced by T.
Protein change: p.Pro25Leu; replaces proline 25 with leucine.
Molecular consequence: missense variant.
Genome position (GRCh38, 1-based): chr5:179,345,255, G>A on the plus strand (C>T on the coding strand, the complement: ADAMTS2 is on the minus strand). VCF-style: chr5-179345255-G-A. GRCh37 (hg19) VCF-style: chr5-178772256-G-A.
Other names: c.74C>T, p.Pro25Leu (NM_021599.4); short protein forms P25L.
Identifiers: ClinVar variation 4695226 (VCV004695226.2).
Genomic context (GRCh38, chr5:179,345,255, plus strand): 5'-GGGTCGGCGGCGGCGGCGAGCCTGGCGTTCGCGGGCGGCGGCGGCGGCGGCAGGAGCGGC[G>A]GCGGCAGCAGCAGCAGCAGCAGCAGCAGCGCGGGGCAGAGCAGGCGGCGAGCGGCTCCCG-3'
Protein context (NP_055059.2, residues 15-35): ALLLLLLLLP[Pro25Leu]PLLPPPPPPA

ClinVar aggregate classification (germline): Uncertain significance. Review status: criteria provided, multiple submitters, no conflicts (2 of 4 stars). 2 submissions from 2 submitters: Uncertain significance (2). Last evaluated 2026-05-18.

Conditions:
Ehlers-Danlos syndrome, dermatosparaxis type. Also called: EDS VIIC; Dermatosparaxis; Ehlers-Danlos syndrome, type VII, autosomal recessive. Identifiers: Orphanet 1901, MedGen C2700425, MONDO:0009161, OMIM 225410.

Submissions (2):

Women's Health and Genetics/Laboratory Corporation of America, LabCorp
Classification: Uncertain significance. Last evaluated: 2026-05-18. Review status: criteria provided, single submitter. Criteria: LabCorp Variant Classification Summary - May 2015. Collection method: clinical testing. Allele origin: germline.
Comment: Variant summary: ADAMTS2 c.74C>T (p.Pro25Leu) results in a non-conservative amino acid change in the encoded protein sequence. Algorithms developed to predict the effect of missense changes on protein structure and function are either unavailable or do not agree on the potential impact of this missense change. The variant was absent in 1116 control chromosomes. The available data on variant occurrences in the general population are insufficient to allow any conclusion about variant significance. To our knowledge, no occurrence of c.74C>T in individuals affected with ADAMTS2-related conditions and no experimental evidence demonstrating its impact on protein function have been reported. ClinVar contains an entry for this variant (Variation ID: 4695226). Based on the evidence outlined above, the variant was classified as uncertain significance.

Labcorp Genetics (formerly Invitae), Labcorp
Classification: Uncertain significance for Ehlers-Danlos syndrome, dermatosparaxis type. Last evaluated: 2025-09-13. Review status: criteria provided, single submitter. Criteria: Invitae Variant Classification Sherloc (09022015). Collection method: clinical testing. Allele origin: germline.
Comment: This sequence change replaces proline, which is neutral and non-polar, with leucine, which is neutral and non-polar, at codon 25 of the ADAMTS2 protein (p.Pro25Leu). This variant is not present in population databases (gnomAD no frequency). This variant has not been reported in the literature in individuals affected with ADAMTS2-related conditions. Experimental studies and prediction algorithms are not available or were not evaluated, and the functional significance of this variant is currently unknown. In summary, the available evidence is currently insufficient to determine the role of this variant in disease. Therefore, it has been classified as a Variant of Uncertain Significance.